The following is an entry in ClinVar:

ClinVar aggregate classification (germline): Uncertain significance (1 of 4 stars; one submission).

gnomAD v4.1: 3 of 1,612,622 alleles (0.00019%); highest among the groups gnomAD compares: Non-Finnish European, 0.00025%; no homozygotes.

Submission:

Labcorp Genetics (formerly Invitae), Labcorp
Classification: Uncertain significance. Last evaluated: 2025-08-21. Review status: criteria provided, single submitter. Criteria: Invitae Variant Classification Sherloc (09022015). Collection method: clinical testing. Allele origin: germline.
Comment: This sequence change replaces glycine, which is neutral and non-polar, with alanine, which is neutral and non-polar, at codon 179 of the EIF2AK1 protein (p.Gly179Ala). This variant is not present in population databases (gnomAD no frequency). This variant has not been reported in the literature in individuals affected with EIF2AK1-related conditions. An algorithm developed to predict the effect of missense changes on protein structure and function (PolyPhen-2) suggests that this variant is likely to be disruptive. In summary, the available evidence is currently insufficient to determine the role of this variant in disease. Therefore, it has been classified as a Variant of Uncertain Significance.

NM_014413.4(EIF2AK1):c.536G>C (p.Gly179Ala)

Gene: EIF2AK1 (eukaryotic translation initiation factor 2 alpha kinase 1; minus strand). Cytogenetic location: 7p22.1.
Variant type: single nucleotide variant.
Coding change: c.536G>C on transcript NM_014413.4 (MANE Select); coding-DNA position 536, G replaced by C.
Protein change: p.Gly179Ala; replaces glycine 179 with alanine.
Molecular consequence: missense variant.
Genome position (GRCh38, 1-based): chr7:6,047,005, C>G on the plus strand (G>C on the coding strand, the complement: EIF2AK1 is on the minus strand). VCF-style: chr7-6047005-C-G. GRCh37 (hg19) VCF-style: chr7-6086636-C-G.
Other names: c.536G>C, p.Gly179Ala (NM_001134335.2); short protein forms G179A.
Identifiers: ClinVar variation 4725783 (VCV004725783.1).
Genomic context (GRCh38, chr7:6,047,005, plus strand): 5'-CACAATTATTTAGGGTAGTAGGTCAAAACAAGTACGTGGAAGACAACCTTGTATACTCTT[C>G]CGTATCCACCTTTTCCTAAGATGGCAAGTTCTTCAAATTCATTTAAGTAACGTGAAGTTT-3'
Protein context (NP_055228.2, residues 169-189): ELAILGKGGY[Gly179Ala]RVYKVRNKLD